The following is an entry in ClinVar:

NM_016592.5(GNAS):c.647G>C (p.Arg216Pro)

Genes: GNAS (GNAS complex locus; plus strand), GNAS-AS1 (GNAS antisense RNA 1; minus strand). Cytogenetic location: 20q13.32.
Variant type: single nucleotide variant.
Coding change: c.647G>C on transcript NM_016592.5 (MANE Plus Clinical); coding-DNA position 647, G replaced by C.
Protein change: p.Arg216Pro; replaces arginine 216 with proline.
Molecular consequence: missense variant. On other transcripts: 5 prime UTR variant (1).
Genome position (GRCh38, 1-based): chr20:58,840,753, G>C. VCF-style: chr20-58840753-G-C. GRCh37 (hg19) VCF-style: chr20-57415808-G-C.
Other names: c.-91G>C (NM_001410912.1); short protein forms R216P.
Identifiers: ClinVar variation 3352851 (VCV003352851.2).

ClinVar aggregate classification (germline): Likely benign. Review status: criteria provided, single submitter (1 of 4 stars). 2 submissions from 2 submitters: Likely benign (1). 1 of the submissions does not count toward it. Last evaluated 2023-07-04.

Conditions:
GNAS-related disorder. Identifiers: MedGen CN380105.

gnomAD v4.1: 83 of 1,606,400 alleles (0.0052%); highest among the groups gnomAD compares: Non-Finnish European, 0.00076%; 1 homozygote.

Submissions (2):

Blueprint Genetics
Classification: Likely benign. Last evaluated: 2023-07-04. Review status: criteria provided, single submitter. Criteria: ACMG Guidelines, 2015. Collection method: clinical testing. Allele origin: germline.

PreventionGenetics, part of Exact Sciences
Classification: Likely benign for GNAS-related condition. Last evaluated: 2022-11-08. Review status: no assertion criteria provided. Collection method: clinical testing. Allele origin: germline. Not counted in ClinVar's aggregate classification.
Comment: This variant is classified as likely benign based on ACMG/AMP sequence variant interpretation guidelines (Richards et al. 2015 PMID: 25741868, with internal and published modifications).